The following is an entry in ClinVar:

NM_177438.3(DICER1):c.4038G>C (p.Met1346Ile)

Gene: DICER1 (dicer 1, ribonuclease III; minus strand). Cytogenetic location: 14q32.13.
Variant type: single nucleotide variant.
Coding change: c.4038G>C on transcript NM_177438.3 (MANE Select); coding-DNA position 4038, G replaced by C.
Protein change: p.Met1346Ile; replaces methionine 1346 with isoleucine.
Molecular consequence: missense variant.
Genome position (GRCh38, 1-based): chr14:95,103,358, C>G on the plus strand (G>C on the coding strand, the complement: DICER1 is on the minus strand). VCF-style: chr14-95103358-C-G. GRCh37 (hg19) VCF-style: chr14-95569695-C-G.
Other names: c.4038G>C, p.Met1346Ile (NM_001195573.1, NM_001271282.3, NM_001291628.2 and 1 more transcripts); short protein forms M1346I.
Identifiers: ClinVar variation 963643 (VCV000963643.9), dbSNP rs1387749836, ClinGen allele CA390872900.

ClinVar aggregate classification (germline): Uncertain significance (1 of 4 stars; one submission).

Conditions:
DICER1-related tumor predisposition. Also called: DICER1 syndrome; DICER1-related pleuropulmonary blastoma cancer predisposition syndrome. Identifiers: Orphanet 284343, MedGen C3839822, MONDO:0100216.

Submission:

Labcorp Genetics (formerly Invitae), Labcorp
Classification: Uncertain significance for DICER1-related tumor predisposition. Last evaluated: 2021-09-29. Review status: criteria provided, single submitter. Criteria: Invitae Variant Classification Sherloc (09022015). Collection method: clinical testing. Allele origin: germline.
Comment: This sequence change replaces methionine with isoleucine at codon 1346 of the DICER1 protein (p.Met1346Ile). The methionine residue is highly conserved and there is a small physicochemical difference between methionine and isoleucine. This variant is not present in population databases (ExAC no frequency). In summary, the available evidence is currently insufficient to determine the role of this variant in disease. Therefore, it has been classified as a Variant of Uncertain Significance. Algorithms developed to predict the effect of missense changes on protein structure and function are either unavailable or do not agree on the potential impact of this missense change (SIFT: "Tolerated"; PolyPhen-2: "Probably Damaging"; Align-GVGD: "Class C0"). This variant has not been reported in the literature in individuals affected with DICER1-related conditions.